The following is an entry in ClinVar:

NM_001164508.2(NEB):c.4506+1G>A

Gene: NEB (nebulin; minus strand). Cytogenetic location: 2q23.3.
Variant type: single nucleotide variant.
Coding change: c.4506+1G>A on transcript NM_001164508.2 (MANE Select); the canonical splice donor site of the intron after coding-DNA position 4506, G replaced by A.
Molecular consequence: splice donor variant.
Genome position (GRCh38, 1-based): chr2:151,671,022, C>T on the plus strand (G>A on the coding strand, the complement: NEB is on the minus strand). VCF-style: chr2-151671022-C-T. GRCh37 (hg19) VCF-style: chr2-152527536-C-T.
Other names: c.4506+1G>A (NM_004543.5, NM_001164507.2, NM_001271208.2).
Identifiers: ClinVar variation 553581 (VCV000553581.11), dbSNP rs112517981, ClinGen allele CA1910615.

ClinVar aggregate classification (germline): Likely pathogenic. Review status: criteria provided, multiple submitters, no conflicts (2 of 4 stars). 3 submissions from 3 submitters: Likely pathogenic (2). 1 of the submissions does not count toward it. Last evaluated 2025-12-31.

Conditions:
Arthrogryposis multiplex congenita 6. Identifiers: MedGen C5543431, MONDO:0030281, OMIM 619334.
Nemaline myopathy 2 (NEM2). Also called: Nemaline myopathy 2, autosomal recessive. Identifiers: MedGen C1850569, MONDO:0009725, OMIM 256030.

Allele frequency attached by ClinVar (database versions not stated): gnomAD exomes below 0.00001; ExAC 0.00001.
gnomAD v4.1: 2 of 1,612,842 alleles (0.00012%); highest among the groups gnomAD compares: African/African-American, 0.0013%; no homozygotes.

Submissions (3):

Labcorp Genetics (formerly Invitae), Labcorp
Classification: Likely pathogenic for Nemaline myopathy 2. Last evaluated: 2025-12-31. Review status: criteria provided, single submitter. Criteria: Invitae Variant Classification Sherloc (09022015). Collection method: clinical testing. Allele origin: germline.
Comment: This sequence change affects a donor splice site in intron 38 of the NEB gene. It is expected to disrupt RNA splicing. Variants that disrupt the donor or acceptor splice site typically lead to a loss of protein function (PMID: 16199547), and loss-of-function variants in NEB are known to be pathogenic (PMID: 25205138). This variant is present in population databases (rs112517981, gnomAD 0.003%). This variant has not been reported in the literature in individuals affected with NEB-related conditions. ClinVar contains an entry for this variant (Variation ID: 553581). Algorithms developed to predict the effect of sequence changes on RNA splicing suggest that this variant may disrupt the consensus splice site. In summary, the currently available evidence indicates that the variant is pathogenic, but additional data are needed to prove that conclusively. Therefore, this variant has been classified as Likely Pathogenic.

Baylor Genetics
Classification: Likely pathogenic for Arthrogryposis multiplex congenita 6. Last evaluated: 2023-04-24. Review status: criteria provided, single submitter. Criteria: ACMG Guidelines, 2015. Collection method: clinical testing. Allele origin: unknown.

Counsyl
Classification: Likely pathogenic for Nemaline myopathy 2. Last evaluated: 2017-08-30. Review status: no assertion criteria provided. Collection method: clinical testing. Allele origin: unknown. Not counted in ClinVar's aggregate classification.

Literature cited by the submitters: PubMed 16199547 (cited by Labcorp Genetics (formerly Invitae), Labcorp); PubMed 25205138 (cited by Labcorp Genetics (formerly Invitae), Labcorp).